The following is an entry in ClinVar:

ClinVar aggregate classification (germline): Uncertain significance (1 of 4 stars; one submission).

Conditions:
Bethlem myopathy 1A. Also called: Bethlem Muscular Dystrophy; Bethlem myopathy 1; MYOPATHY, BENIGN CONGENITAL, WITH CONTRACTURES. Identifiers: Orphanet 610, MedGen CN029274, MONDO:0024530, OMIM 158810.

Submission:

Labcorp Genetics (formerly Invitae), Labcorp
Classification: Uncertain significance for Bethlem myopathy 1A. Last evaluated: 2018-12-10. Review status: criteria provided, single submitter. Criteria: Invitae Variant Classification Sherloc (09022015). Collection method: clinical testing. Allele origin: germline.
Comment: Algorithms developed to predict the effect of missense changes on protein structure and function (SIFT, PolyPhen-2, Align-GVGD) all suggest that this variant is likely to be tolerated, but these predictions have not been confirmed by published functional studies and their clinical significance is uncertain. In summary, the available evidence is currently insufficient to determine the role of this variant in disease. Therefore, it has been classified as a Variant of Uncertain Significance. This variant has not been reported in the literature in individuals with COL6A2-related conditions. This variant is not present in population databases (ExAC no frequency). This sequence change replaces glycine with valine at codon 371 of the COL6A2 protein (p.Gly371Val). The glycine residue is weakly conserved and there is a moderate physicochemical difference between glycine and valine.

NM_001849.4(COL6A2):c.1112G>T (p.Gly371Val)

Gene: COL6A2 (collagen type VI alpha 2 chain; plus strand). Cytogenetic location: 21q22.3.
Variant type: single nucleotide variant.
Coding change: c.1112G>T on transcript NM_001849.4 (MANE Select); coding-DNA position 1112, G replaced by T.
Protein change: p.Gly371Val; replaces glycine 371 with valine.
Molecular consequence: missense variant.
Genome position (GRCh38, 1-based): chr21:46,117,932, G>T. VCF-style: chr21-46117932-G-T. GRCh37 (hg19) VCF-style: chr21-47537846-G-T.
Other names: c.1112G>T, p.Gly371Val (NM_058174.3, NM_058175.3); short protein forms G371V.
Identifiers: ClinVar variation 642090 (VCV000642090.9), dbSNP rs1601229481, ClinGen allele CA410527716.